The following is an entry in ClinVar:

ClinVar aggregate classification (germline): Uncertain significance (1 of 4 stars; one submission).

Conditions:
B-cell immunodeficiency, distal limb anomalies, and urogenital malformations. Also called: HOFFMAN SYNDROME; BILU SYNDROME. Identifiers: Orphanet 567502, MedGen C1836437, MONDO:0012243, OMIM 609296.

Submission:

Neuberg Centre For Genomic Medicine, NCGM
Classification: Uncertain significance for B-cell immunodeficiency, distal limb anomalies, and urogenital malformations. Review status: criteria provided, single submitter. Criteria: ACMG Guidelines, 2015. Collection method: clinical testing. Allele origin: germline. Inheritance: X-linked inheritance. Affected: yes.
Comment: The frameshift variant c.1303del (p.Trp435GlyfsTer2) in the TOP2B gene has not been reported previously as a pathogenic variant nor as a benign variant, to our knowledge. The variant is absent in the gnomAD Exomes. This variant causes a frameshift starting with codon Tryptophan 435, changes this amino acid to Glycine residue, and creates a premature Stop codon at position 2 of the new reading frame. This variant is predicted to cause loss of normal protein function through protein truncation. Loss of function variants has not been previously reported to be disease causing. For these reasons, this variant has been classified as Uncertain Significance.

NM_001330700.2(TOP2B):c.1303del (p.Trp435fs)

Gene: TOP2B (DNA topoisomerase II beta; minus strand). Cytogenetic location: 3p24.2.
Variant type: Deletion.
Coding change: c.1303del on transcript NM_001330700.2 (MANE Select); coding-DNA position 1303, one base deleted (T; older notation c.1303delT).
Protein change: p.Trp435fs; shifts the reading frame from tryptophan 435.
Molecular consequence: frameshift variant.
Genome position (GRCh38, 1-based): chr3:25,630,903, A deleted on the plus strand (T on the coding strand, the reverse complement: TOP2B is on the minus strand). VCF-style (leftmost placement, unchanged base first): chr3-25630902-CA-C. GRCh37 (hg19) VCF-style: chr3-25672393-CA-C.
Other names: c.1288del, p.Trp430fs (NM_001068.3); short protein forms W430fs, W435fs.
Identifiers: ClinVar variation 3377540 (VCV003377540.1).